The following is an entry in ClinVar:

ClinVar aggregate classification (germline): Uncertain significance (1 of 4 stars; one submission).

gnomAD v4.1: 5 of 1,584,086 alleles (0.00032%); highest among the groups gnomAD compares: Non-Finnish European, 0.00043%; no homozygotes.

Submission:

Labcorp Genetics (formerly Invitae), Labcorp
Classification: Uncertain significance. Last evaluated: 2026-01-19. Review status: criteria provided, single submitter. Criteria: Invitae Variant Classification Sherloc (09022015). Collection method: clinical testing. Allele origin: germline.
Comment: This sequence change replaces serine, which is neutral and polar, with tryptophan, which is neutral and slightly polar, at codon 509 of the ACAN protein (p.Ser509Trp). The frequency data for this variant in the population databases is considered unreliable, as metrics indicate poor data quality at this position in the gnomAD database. This variant has not been reported in the literature in individuals affected with ACAN-related conditions. Invitae Evidence Modeling of protein sequence and biophysical properties (such as structural, functional, and spatial information, amino acid conservation, physicochemical variation, residue mobility, and thermodynamic stability) indicates that this missense variant is not expected to disrupt ACAN protein function with a negative predictive value of 80%. In summary, the available evidence is currently insufficient to determine the role of this variant in disease. Therefore, it has been classified as a Variant of Uncertain Significance.

NM_001369268.1(ACAN):c.1526C>G (p.Ser509Trp)

Gene: ACAN (aggrecan; plus strand). Cytogenetic location: 15q26.1.
Variant type: single nucleotide variant.
Coding change: c.1526C>G on transcript NM_001369268.1 (MANE Select); coding-DNA position 1526, C replaced by G.
Protein change: p.Ser509Trp; replaces serine 509 with tryptophan.
Molecular consequence: missense variant.
Genome position (GRCh38, 1-based): chr15:88,847,339, C>G. VCF-style: chr15-88847339-C-G. GRCh37 (hg19) VCF-style: chr15-89390570-C-G.
Other names: c.1526C>G, p.Ser509Trp (NM_001135.4, NM_001411096.1, NM_001411097.1 and 1 more transcripts); short protein forms S509W.
Identifiers: ClinVar variation 4748614 (VCV004748614.1).